The following is an entry in ClinVar:

NM_002234.4(KCNA5):c.626C>T (p.Ala209Val)

Gene: KCNA5 (potassium voltage-gated channel subfamily A member 5; plus strand). Cytogenetic location: 12p13.32.
Variant type: single nucleotide variant.
Coding change: c.626C>T on transcript NM_002234.4 (MANE Select); coding-DNA position 626, C replaced by T.
Protein change: p.Ala209Val; replaces alanine 209 with valine.
Molecular consequence: missense variant.
Genome position (GRCh38, 1-based): chr12:5,044,773, C>T. VCF-style: chr12-5044773-C-T. GRCh37 (hg19) VCF-style: chr12-5153939-C-T.
Other names: short protein forms A209V.
Identifiers: ClinVar variation 2879673 (VCV002879673.3), dbSNP rs775530004, ClinGen allele CA6399678.

ClinVar aggregate classification (germline): Uncertain significance (1 of 4 stars; one submission).

Conditions:
Atrial fibrillation, familial, 7 (ATFB7). Identifiers: MedGen C2677106, MONDO:0012828, OMIM 612240.

Allele frequency attached by ClinVar (database versions not stated): gnomAD exomes below 0.00001; ExAC 0.00001; gnomAD 0.00001.

Submission:

Labcorp Genetics (formerly Invitae), Labcorp
Classification: Uncertain significance for Atrial fibrillation, familial, 7. Last evaluated: 2022-12-11. Review status: criteria provided, single submitter. Criteria: Invitae Variant Classification Sherloc (09022015). Collection method: clinical testing. Allele origin: germline.
Comment: This sequence change replaces alanine, which is neutral and non-polar, with valine, which is neutral and non-polar, at codon 209 of the KCNA5 protein (p.Ala209Val). This variant is present in population databases (rs775530004, gnomAD 0.003%). This variant has not been reported in the literature in individuals affected with KCNA5-related conditions. Advanced modeling of protein sequence and biophysical properties (such as structural, functional, and spatial information, amino acid conservation, physicochemical variation, residue mobility, and thermodynamic stability) performed at Invitae indicates that this missense variant is not expected to disrupt KCNA5 protein function. In summary, the available evidence is currently insufficient to determine the role of this variant in disease. Therefore, it has been classified as a Variant of Uncertain Significance.